The following is an entry in ClinVar:

NM_181507.2(HPS5):c.591del (p.Phe198fs)

Gene: HPS5 (HPS5 biogenesis of lysosomal organelles complex 2 subunit 2; minus strand). Cytogenetic location: 11p15.1.
Variant type: Deletion.
Coding change: c.591del on transcript NM_181507.2 (MANE Select); coding-DNA position 591, one base deleted (C; older notation c.591delC).
Protein change: p.Phe198fs; shifts the reading frame from phenylalanine 198.
Molecular consequence: frameshift variant.
Genome position (GRCh38, 1-based): chr11:18,308,966, G deleted on the plus strand (C on the coding strand, the reverse complement: HPS5 is on the minus strand); the first of 2 consecutive G bases (chr11:18,308,966-18,308,967); deleting either gives the same sequence. VCF-style (leftmost placement, unchanged base first): chr11-18308965-AG-A. GRCh37 (hg19) VCF-style: chr11-18330512-AG-A.
Other names: c.249del, p.Phe84fs (NM_007216.4); c.248delC, p.Phe84Serfs (NM_181508.2); short protein forms F84fs, F198fs.
Identifiers: ClinVar variation 2990911 (VCV002990911.3), dbSNP rs2494153943, ClinGen allele CA2740093650.

ClinVar aggregate classification (germline): Pathogenic (1 of 4 stars; one submission).

Submission:

Labcorp Genetics (formerly Invitae), Labcorp
Classification: Pathogenic. Last evaluated: 2023-05-07. Review status: criteria provided, single submitter. Criteria: Invitae Variant Classification Sherloc (09022015). Collection method: clinical testing. Allele origin: germline.
Comment: For these reasons, this variant has been classified as Pathogenic. This variant has not been reported in the literature in individuals affected with HPS5-related conditions. This variant is not present in population databases (gnomAD no frequency). This sequence change creates a premature translational stop signal (p.Phe198Serfs*38) in the HPS5 gene. It is expected to result in an absent or disrupted protein product. Loss-of-function variants in HPS5 are known to be pathogenic (PMID: 12548288, 15296495, 21833017, 26785811).

Literature cited by the submitters: PubMed 12548288; PubMed 15296495; PubMed 21833017; PubMed 26785811.